The following is an entry in ClinVar:

ClinVar aggregate classification (germline): Likely benign. Review status: criteria provided, multiple submitters, no conflicts (2 of 4 stars). 3 submissions from 3 submitters: Likely benign (2). 1 of the submissions does not count toward it. Last evaluated 2026-01-21.

Conditions:
TMEM107-related disorder. Also called: TMEM107-related condition.

Allele frequency attached by ClinVar (database versions not stated): 1000 Genomes Project 30x 0.00125; 1000 Genomes Project 0.00140; ESP Exome Variant Server 0.00227.
gnomAD v4.1: 1,373 of 763,918 alleles (0.18%); highest among the groups gnomAD compares: Middle Eastern, 0.36%; 2 homozygotes.

Submissions (3):

Labcorp Genetics (formerly Invitae), Labcorp
Classification: Likely benign. Last evaluated: 2026-01-21. Review status: criteria provided, single submitter. Criteria: Invitae Variant Classification Sherloc (09022015). Collection method: clinical testing. Allele origin: germline.

Blueprint Genetics
Classification: Likely benign. Last evaluated: 2024-11-19. Review status: criteria provided, single submitter. Criteria: ACMG Guidelines, 2015. Collection method: clinical testing. Allele origin: germline.

PreventionGenetics, part of Exact Sciences
Classification: Likely benign for TMEM107-related condition. Last evaluated: 2023-12-13. Review status: no assertion criteria provided. Collection method: clinical testing. Allele origin: germline. Not counted in ClinVar's aggregate classification.
Comment: This variant is classified as likely benign based on ACMG/AMP sequence variant interpretation guidelines (Richards et al. 2015 PMID: 25741868, with internal and published modifications).

NR_033294.2(SNORD118):n.4G>A

Genes: TMEM107 (transmembrane protein 107; minus strand), SNORD118 (small nucleolar RNA, C/D box 118; minus strand). Cytogenetic location: 17p13.1.
Variant type: single nucleotide variant.
Molecular consequence: non-coding transcript variant (on NR_033294.2). On other transcripts: 3 prime UTR variant (5).
Genome position: GRCh38 VCF-style: chr17-8173585-C-T. GRCh37 (hg19) VCF-style: chr17-8076903-C-T.
Other names: c.*618G>A (NM_001351278.2, NM_001351279.2, NM_001351280.2 and 3 more transcripts).
Identifiers: ClinVar variation 1628795 (VCV001628795.11), dbSNP rs199964184, ClinGen allele CA8370842.